The following is an entry in ClinVar:

NM_021098.3(CACNA1H):c.1429C>T (p.Arg477Cys)

Gene: CACNA1H (calcium voltage-gated channel subunit alpha1 H; plus strand). Cytogenetic location: 16p13.3.
Variant type: single nucleotide variant.
Coding change: c.1429C>T on transcript NM_021098.3 (MANE Select); coding-DNA position 1429, C replaced by T.
Protein change: p.Arg477Cys; replaces arginine 477 with cysteine.
Molecular consequence: missense variant.
Genome position (GRCh38, 1-based): chr16:1,201,879, C>T. VCF-style: chr16-1201879-C-T. GRCh37 (hg19) VCF-style: chr16-1251879-C-T.
Other names: c.1429C>T, p.Arg477Cys (NM_001005407.2); short protein forms R477C.
Identifiers: ClinVar variation 798235 (VCV000798235.16), dbSNP rs376935647, ClinGen allele CA7799938.

ClinVar aggregate classification (germline): Conflicting classifications of pathogenicity. Review status: criteria provided, conflicting classifications (1 of 4 stars). 6 submissions from 6 submitters: Uncertain significance (1); Likely benign (2). 3 of the submissions do not count toward it. Last evaluated 2025-02-16.

Conditions:
CACNA1H-related disorder.
Epilepsy, childhood absence, susceptibility to, 6. Identifiers: Orphanet 64280, MedGen C2749872, MONDO:0012763, OMIM 611942.
Hyperaldosteronism, familial, type IV (HALD4). Also called: ALDOSTERONISM, PRIMARY, AND HYPERTENSION; FH IV. Identifiers: Orphanet 642671, MedGen C4310756, MONDO:0014875, OMIM 617027.
Idiopathic generalized epilepsy. Also called: Generalised epilepsy; EIG. Identifiers: MedGen C0270850, MONDO:0005579, OMIM 600669.
Inborn genetic diseases. Identifiers: MedGen C0950123, MeSH D030342.

Allele frequency attached by ClinVar (database versions not stated): gnomAD exomes 0.00008 and 0.00019; TOPMed 0.00014; ESP Exome Variant Server 0.00016; gnomAD 0.00016 and 0.00018; ExAC 0.00026.
gnomAD v4.1: 141 of 1,552,884 alleles (0.0091%); highest among the groups gnomAD compares: Admixed American, 0.0059%; no homozygotes.

Submissions (6):

Laboratory of Genetics, Children's Clinical University Hospital Latvia
Classification: Likely benign. Last evaluated: 2025-02-16. Review status: criteria provided, single submitter. Criteria: ACMG Guidelines, 2015. Collection method: clinical testing. Allele origin: germline. Affected: yes.

Labcorp Genetics (formerly Invitae), Labcorp
Classification: Likely benign for Idiopathic generalized epilepsy; Hyperaldosteronism, familial, type IV. Last evaluated: 2024-02-15. Review status: criteria provided, single submitter. Criteria: Invitae Variant Classification Sherloc (09022015). Collection method: clinical testing. Allele origin: germline.

Ambry Genetics
Classification: Uncertain significance for Inborn genetic diseases. Last evaluated: 2022-03-29. Review status: criteria provided, single submitter. Criteria: Ambry Variant Classification Scheme 2023. Collection method: clinical testing. Allele origin: germline.

PreventionGenetics, part of Exact Sciences
Classification: Likely benign for CACNA1H-related condition. Last evaluated: 2020-05-19. Review status: no assertion criteria provided. Collection method: clinical testing. Allele origin: germline. Not counted in ClinVar's aggregate classification.
Comment: This variant is classified as likely benign based on ACMG/AMP sequence variant interpretation guidelines (Richards et al. 2015 PMID: 25741868, with internal and published modifications).

Biochemical Molecular Genetic Laboratory, King Abdulaziz Medical City
Classification: Uncertain significance for Epilepsy, childhood absence, susceptibility to, 6. Last evaluated: 2020-02-05. Review status: no assertion criteria provided. Collection method: clinical testing. Allele origin: germline. Affected: yes. Not counted in ClinVar's aggregate classification.

Department of Pathology and Laboratory Medicine, Sinai Health System
Classification: Uncertain significance. Review status: no assertion criteria provided. Collection method: clinical testing. Allele origin: unknown. Affected: yes. Study: The Canadian Open Genetics Repository (COGR). Not counted in ClinVar's aggregate classification.
Comment: Â¬â€ The CACNA1H p.R477C variant was not identified in the literature, however it was identified in dbSNP (ID: rs376935647) and in ClinVar (classified as likely benign by Invitae and uncertain significance by Biochemical Molecular Genetic Laboratory at King Abdulaziz Medical City for the associated conditions idiopathic generalized epilepsy and Hyperaldosteronism, familial, type IV). The variant was identified in control databases in 30 of 186924 chromosomes at a frequency of 0.0001605 (Genome Aggregation Database March 6, 2019, v2.1.1). The variant was observed in the following populations: Ashkenazi Jewish in 23 of 8808 chromosomes (freq: 0.002611), Other in 3 of 5492 chromosomes (freq: 0.000546), European (non-Finnish) in 3 of 75540 chromosomes (freq: 0.00004) and Latino in 1 of 25726 chromosomes (freq: 0.000039), but was not observed in the African, East Asian, European (Finnish), or South Asian populations. The p.R477 residue is conserved across mammals and other organisms, and computational analyses (PolyPhen-2, SIFT, MutationTaster, Revel, FATHMM, MetaLR, DANN) suggest that the variant may impact the protein; however, this information is not predictive enough to assume pathogenicity. The variant occurs outside of the splicing consensus sequence and in silico or computational prediction software programs (Splice AI exome) do not predict a difference in splicing. In summary, based on the above information the clinical significance of this variant cannot be determined with certainty at this time. This variant is classified as a variant of uncertain significance.